The following is an entry in ClinVar:

NM_001256789.3(CACNA1F):c.4757G>A (p.Arg1586Gln)

Genes: CACNA1F (calcium voltage-gated channel subunit alpha1 F; minus strand), LOC126863257 (BRD4-independent group 4 enhancer GRCh37_chrX:49065732-49066931; plus strand). Cytogenetic location: Xp11.23.
Variant type: single nucleotide variant.
Coding change: c.4757G>A on transcript NM_001256789.3 (MANE Select); coding-DNA position 4757, G replaced by A.
Protein change: p.Arg1586Gln; replaces arginine 1586 with glutamine.
Molecular consequence: missense variant.
Genome position (GRCh38, 1-based): chrX:49,209,693, C>T on the plus strand (G>A on the coding strand, the complement: CACNA1F is on the minus strand). VCF-style: chrX-49209693-C-T. GRCh37 (hg19) VCF-style: chrX-49066153-C-T.
Other names: c.4595G>A, p.Arg1532Gln (NM_001256790.3); c.4790G>A, p.Arg1597Gln (NM_005183.4); short protein forms R1597Q, R1532Q, R1586Q.
Identifiers: ClinVar variation 934952 (VCV000934952.8), dbSNP rs782146463, ClinGen allele CA10410128.

ClinVar aggregate classification (germline): Uncertain significance (1 of 4 stars; one submission).

Allele frequency attached by ClinVar (database versions not stated): gnomAD exomes 0.00001 and 0.00002; ExAC 0.00003; TOPMed 0.00005; gnomAD 0.00008 and 0.00010.
gnomAD v4.1: 15 of 1,209,338 alleles (0.0012%); highest among the groups gnomAD compares: African/African-American, 0.016%; no homozygotes.

Submission:

Labcorp Genetics (formerly Invitae), Labcorp
Classification: Uncertain significance. Last evaluated: 2024-03-05. Review status: criteria provided, single submitter. Criteria: Invitae Variant Classification Sherloc (09022015). Collection method: clinical testing. Allele origin: germline.
Comment: This sequence change replaces arginine, which is basic and polar, with glutamine, which is neutral and polar, at codon 1597 of the CACNA1F protein (p.Arg1597Gln). This variant is present in population databases (rs782146463, gnomAD 0.02%). This variant has not been reported in the literature in individuals affected with CACNA1F-related conditions. ClinVar contains an entry for this variant (Variation ID: 934952). Advanced modeling of protein sequence and biophysical properties (such as structural, functional, and spatial information, amino acid conservation, physicochemical variation, residue mobility, and thermodynamic stability) performed at Invitae indicates that this missense variant is not expected to disrupt CACNA1F protein function with a negative predictive value of 80%. In summary, the available evidence is currently insufficient to determine the role of this variant in disease. Therefore, it has been classified as a Variant of Uncertain Significance.